The following is an entry in ClinVar:

ClinVar aggregate classification (germline): Uncertain significance (1 of 4 stars; one submission).

Allele frequency attached by ClinVar (database versions not stated): gnomAD exomes below 0.00001; TOPMed below 0.00001; gnomAD 0.00001.
gnomAD v4.1: 3 of 1,613,284 alleles (0.00019%); highest among the groups gnomAD compares: Admixed American, 0.005%; no homozygotes.

Submission:

Labcorp Genetics (formerly Invitae), Labcorp
Classification: Uncertain significance. Last evaluated: 2024-10-23. Review status: criteria provided, single submitter. Criteria: Invitae Variant Classification Sherloc (09022015). Collection method: clinical testing. Allele origin: germline.
Comment: This sequence change replaces glutamic acid, which is acidic and polar, with glycine, which is neutral and non-polar, at codon 105 of the SLC13A3 protein (p.Glu105Gly). This variant is present in population databases (no rsID available, gnomAD 0.006%). This variant has not been reported in the literature in individuals affected with SLC13A3-related conditions. ClinVar contains an entry for this variant (Variation ID: 1925823). Invitae Evidence Modeling of protein sequence and biophysical properties (such as structural, functional, and spatial information, amino acid conservation, physicochemical variation, residue mobility, and thermodynamic stability) indicates that this missense variant is not expected to disrupt SLC13A3 protein function with a negative predictive value of 80%. In summary, the available evidence is currently insufficient to determine the role of this variant in disease. Therefore, it has been classified as a Variant of Uncertain Significance.

NM_022829.6(SLC13A3):c.314A>G (p.Glu105Gly)

Gene: SLC13A3 (solute carrier family 13 member 3; minus strand). Cytogenetic location: 20q13.12.
Variant type: single nucleotide variant.
Coding change: c.314A>G on transcript NM_022829.6 (MANE Select); coding-DNA position 314, A replaced by G.
Protein change: p.Glu105Gly; replaces glutamic acid 105 with glycine.
Molecular consequence: missense variant.
Genome position (GRCh38, 1-based): chr20:46,613,523, T>C on the plus strand (A>G on the coding strand, the complement: SLC13A3 is on the minus strand). VCF-style: chr20-46613523-T-C. GRCh37 (hg19) VCF-style: chr20-45242162-T-C.
Other names: c.173A>G, p.Glu58Gly (NM_001011554.3, NM_001193340.2); c.314A>G, p.Glu105Gly (NM_001193339.2); c.20A>G, p.Glu7Gly (NM_001193342.2); short protein forms E58G, E7G, E105G.
Identifiers: ClinVar variation 1925823 (VCV001925823.5), dbSNP rs1194467302, ClinGen allele CA409269621.